The following is an entry in ClinVar:

NM_003128.3(SPTBN1):c.2917del (p.Glu973fs)

Gene: SPTBN1 (spectrin beta, non-erythrocytic 1; plus strand). Cytogenetic location: 2p16.2.
Variant type: Deletion.
Coding change: c.2917del on transcript NM_003128.3 (MANE Select); coding-DNA position 2917, one base deleted (G; older notation c.2917delG).
Protein change: p.Glu973fs; shifts the reading frame from glutamic acid 973.
Molecular consequence: frameshift variant.
Genome position (GRCh38, 1-based): chr2:54,630,964, G deleted; the last of 3 consecutive G bases (chr2:54,630,962-54,630,964); deleting any one gives the same sequence. VCF-style (leftmost placement, unchanged base first): chr2-54630961-CG-C. GRCh37 (hg19) VCF-style: chr2-54858098-CG-C.
Other names: c.2878del, p.Glu960fs (NM_178313.3); short protein forms E960fs, E973fs.
Identifiers: ClinVar variation 3602945 (VCV003602945.1).

ClinVar aggregate classification (germline): Pathogenic (1 of 4 stars; one submission).

Submission:

GeneDx
Classification: Pathogenic. Last evaluated: 2024-08-09. Review status: criteria provided, single submitter. Criteria: GeneDx Variant Classification Process June 2021. Collection method: clinical testing. Allele origin: germline. Affected: yes.
Comment: Frameshift variant predicted to result in protein truncation or nonsense mediated decay in a gene for which loss of function is a known mechanism of disease; Not observed at significant frequency in large population cohorts (gnomAD); Has not been previously published as pathogenic or benign to our knowledge